The following is an entry in ClinVar:

ClinVar aggregate classification (germline): Uncertain significance (1 of 4 stars; one submission).

Conditions:
Pitt-Hopkins-like syndrome 2 (PTHSL2). Identifiers: Orphanet 221150, Orphanet 600663, MedGen C3280479, MONDO:0013690, OMIM 614325.

Allele frequency attached by ClinVar (database versions not stated): gnomAD exomes below 0.00001.
gnomAD v4.1: 4 of 1,613,986 alleles (0.00025%); highest among the groups gnomAD compares: Non-Finnish European, 0.00025%; no homozygotes.

Submission:

Labcorp Genetics (formerly Invitae), Labcorp
Classification: Uncertain significance for Pitt-Hopkins-like syndrome 2. Last evaluated: 2023-07-07. Review status: criteria provided, single submitter. Criteria: Invitae Variant Classification Sherloc (09022015). Collection method: clinical testing. Allele origin: germline.
Comment: This sequence change replaces serine, which is neutral and polar, with cysteine, which is neutral and slightly polar, at codon 532 of the NRXN1 protein (p.Ser532Cys). This variant is present in population databases (no rsID available, gnomAD no frequency). This variant has not been reported in the literature in individuals affected with NRXN1-related conditions. ClinVar contains an entry for this variant (Variation ID: 1494077). An algorithm developed to predict the effect of missense changes on protein structure and function (PolyPhen-2) suggests that this variant is likely to be disruptive. In summary, the available evidence is currently insufficient to determine the role of this variant in disease. Therefore, it has been classified as a Variant of Uncertain Significance.

NM_001330078.2(NRXN1):c.1475C>G (p.Ser492Cys)

Gene: NRXN1 (neurexin 1; minus strand). Cytogenetic location: 2p16.3.
Variant type: single nucleotide variant.
Coding change: c.1475C>G on transcript NM_001330078.2 (MANE Select); coding-DNA position 1475, C replaced by G.
Protein change: p.Ser492Cys; replaces serine 492 with cysteine.
Molecular consequence: missense variant.
Genome position (GRCh38, 1-based): chr2:50,552,871, G>C on the plus strand (C>G on the coding strand, the complement: NRXN1 is on the minus strand). VCF-style: chr2-50552871-G-C. GRCh37 (hg19) VCF-style: chr2-50780009-G-C.
Other names: c.1463C>G, p.Ser488Cys (NM_001330094.2); c.1451C>G, p.Ser484Cys (NM_001330095.2, NM_001330077.2, NM_001330082.2); c.1391C>G, p.Ser464Cys (NM_001330096.2, NM_001330087.2); c.1475C>G, p.Ser492Cys (NM_004801.6, NM_001330085.2, NM_001330086.2); c.1595C>G, p.Ser532Cys (NM_001135659.3); c.1436C>G, p.Ser479Cys (NM_001330083.2, NM_001330084.2); c.1421C>G, p.Ser474Cys (NM_001330088.2); c.1472C>G, p.Ser491Cys (NM_001330093.2); short protein forms S484C, S532C, S491C, S464C, S474C, S479C, S488C, S492C.
Identifiers: ClinVar variation 1494077 (VCV001494077.6), dbSNP rs1389403809, ClinGen allele CA346773921.
Genomic context (GRCh38, chr2:50,552,871, plus strand): 5'-TCTGTTGTACGGAAATCAAATGATATGGAGCCAGTTTTCTTTGCATTCCATTTAGGCAAA[G>C]AGATGAAAGACTCTGGGGTTTCAAAGGTGATTGGGTCTAAAGTTGCAACATTCTCACATT-3'
Protein context (NP_001317007.1, residues 482-502): ITFETPESFI[Ser492Cys]LPKWNAKKTG